The following is an entry in ClinVar:

ClinVar aggregate classification (germline): Uncertain significance (1 of 4 stars; one submission).

Conditions:
Developmental and epileptic encephalopathy, 5 (DEE5). Identifiers: Orphanet 3451, MedGen C3150731, MONDO:0013277, OMIM 613477.

Submission:

Dasa
Classification: Uncertain significance for Developmental and epileptic encephalopathy, 5. Last evaluated: 2025-12-05. Review status: criteria provided, single submitter. Criteria: DASA Assertion Criteria. Collection method: clinical testing. Allele origin: germline.
Comment: NM_001363759.2(SPTAN1):c.6730C>A (p.Arg2244Ser) is a missense variant that results in the substitution of arginine with serine. This variant is rare in population databases. The currently available literature and clinical evidence are not sufficient to establish a definitive association between this variant and the reported condition. Therefore, this variant is classified as a variant of uncertain significance.

NM_001130438.3(SPTAN1):c.6708-1174C>A

Gene: SPTAN1 (spectrin alpha, non-erythrocytic 1; plus strand). Cytogenetic location: 9q34.11.
Variant type: single nucleotide variant.
Coding change: c.6708-1174C>A on transcript NM_001130438.3 (MANE Select); 1174 bases into the intron before coding-DNA position 6708, C replaced by A.
Molecular consequence: intron variant. On other transcripts: missense variant (4).
Genome position (GRCh38, 1-based): chr9:128,629,147, C>A. VCF-style: chr9-128629147-C-A. GRCh37 (hg19) VCF-style: chr9-131391426-C-A.
Other names: c.6730C>A, p.Arg2244Ser (NM_001363759.2); c.6766C>A, p.Arg2256Ser (NM_001375318.1); c.6655C>A, p.Arg2219Ser (NM_001438444.1); c.6715C>A, p.Arg2239Ser (NM_001438445.1); c.6744-1174C>A (NM_001375312.2, NM_001438440.1); c.6708-1174C>A (NM_001375311.2); c.6648-1174C>A (NM_001375314.2, NM_001363765.2); c.6795-1174C>A (NM_001375310.1); and 6 more; short protein forms R2219S, R2239S, R2244S, R2256S.
Identifiers: ClinVar variation 4881484 (VCV004881484.2).